The following is an entry in ClinVar:

ClinVar aggregate classification (germline): Uncertain significance (1 of 4 stars; one submission).

gnomAD v4.1: 1 of 1,603,250 alleles (0.000062%); highest among the groups gnomAD compares: Non-Finnish European, 0.000085%; no homozygotes.

Submission:

Labcorp Genetics (formerly Invitae), Labcorp
Classification: Uncertain significance. Last evaluated: 2024-09-30. Review status: criteria provided, single submitter. Criteria: Invitae Variant Classification Sherloc (09022015). Collection method: clinical testing. Allele origin: germline.
Comment: This sequence change replaces asparagine, which is neutral and polar, with aspartic acid, which is acidic and polar, at codon 39 of the NAA15 protein (p.Asn39Asp). This variant is not present in population databases (gnomAD no frequency). This variant has not been reported in the literature in individuals affected with NAA15-related conditions. An algorithm developed to predict the effect of missense changes on protein structure and function (PolyPhen-2) suggests that this variant is likely to be disruptive. In summary, the available evidence is currently insufficient to determine the role of this variant in disease. Therefore, it has been classified as a Variant of Uncertain Significance.

NM_057175.5(NAA15):c.115A>G (p.Asn39Asp)

Gene: NAA15 (N-alpha-acetyltransferase 15, NatA auxiliary subunit; plus strand). Cytogenetic location: 4q31.1.
Variant type: single nucleotide variant.
Coding change: c.115A>G on transcript NM_057175.5 (MANE Select); coding-DNA position 115, A replaced by G.
Protein change: p.Asn39Asp; replaces asparagine 39 with aspartic acid.
Molecular consequence: missense variant.
Genome position (GRCh38, 1-based): chr4:139,334,234, A>G. VCF-style: chr4-139334234-A-G. GRCh37 (hg19) VCF-style: chr4-140255388-A-G.
Other names: c.115A>G, p.Asn39Asp (NM_001410842.1); short protein forms N39D.
Identifiers: ClinVar variation 3721873 (VCV003721873.2).